The following is an entry in ClinVar:

ClinVar aggregate classification (germline): Uncertain significance. Review status: criteria provided, single submitter (1 of 4 stars). 2 submissions from 2 submitters: Uncertain significance (1). 1 of the submissions does not count toward it. Last evaluated 2026-07-13.

Conditions:
SEMA7A-related disorder. Also called: SEMA7A-related condition.
John Milton Hagen blood group system (JMH). Also called: JMH BLOOD GROUP SYSTEM; JOHN MILTON HAGEN BLOOD GROUP SYSTEM, JMH-VARIANT PHENOTYPE. Identifiers: MedGen C3553633, OMIM 614745.

gnomAD v4.1: 3 of 1,614,178 alleles (0.00019%); highest among the groups gnomAD compares: Non-Finnish European, 0.000085%; no homozygotes.

Submissions (2):

PreventionGenetics, part of Exact Sciences
Classification: Uncertain significance for SEMA7A-related condition. Last evaluated: 2026-07-13. Review status: criteria provided, single submitter. Criteria: ACMG Guidelines, 2015. Collection method: clinical testing. Allele origin: germline.
Comment: The SEMA7A c.1040G>T variant is predicted to result in the amino acid substitution p.Arg347Leu. In vitro studies show this variant results in an alloantibody that recognizes control SEMA7A but not the variant protein (Richard et al. 2011. PubMed ID: 20854351). At this time, the clinical significance of this variant is uncertain due to the absence of conclusive functional and genetic evidence.

OMIM
Classification: Affects for JOHN MILTON HAGEN BLOOD GROUP SYSTEM, JMH-VARIANT PHENOTYPE. Last evaluated: 2011-04-01. Review status: no assertion criteria provided. Collection method: literature only. Allele origin: germline. Not counted in ClinVar's aggregate classification.

Literature cited by the submitters: PubMed 20854351 (cited by OMIM).

NM_003612.5(SEMA7A):c.1040G>T (p.Arg347Leu)

Gene: SEMA7A (semaphorin 7A (JohnMiltonHagen blood group); minus strand). Cytogenetic location: 15q24.1.
Variant type: single nucleotide variant.
Coding change: c.1040G>T on transcript NM_003612.5 (MANE Select); coding-DNA position 1040, G replaced by T.
Protein change: p.Arg347Leu; replaces arginine 347 with leucine.
Molecular consequence: missense variant.
Genome position (GRCh38, 1-based): chr15:74,414,893, C>A on the plus strand (G>T on the coding strand, the complement: SEMA7A is on the minus strand). VCF-style: chr15-74414893-C-A. GRCh37 (hg19) VCF-style: chr15-74707234-C-A.
Other names: c.998G>T, p.Arg333Leu (NM_001146029.3); c.545G>T, p.Arg182Leu (NM_001146030.3); c.1040G>T (NM_003612.4); short protein forms R347L, R333L, R182L.
Identifiers: ClinVar variation 35580 (VCV000035580.2), dbSNP rs387907241, ClinGen allele CA129965.